The following is an entry in ClinVar:

NM_182961.4(SYNE1):c.26204G>A (p.Arg8735Gln)

Genes: ESR1 (estrogen receptor 1; plus strand), SYNE1 (spectrin repeat containing nuclear envelope protein 1; minus strand). Cytogenetic location: 6q25.2.
Variant type: single nucleotide variant.
Coding change: c.26204G>A on transcript NM_182961.4 (MANE Select); coding-DNA position 26204, G replaced by A.
Protein change: p.Arg8735Gln; replaces arginine 8735 with glutamine.
Molecular consequence: missense variant. On other transcripts: 3 prime UTR variant (1), intron variant (1).
Genome position (GRCh38, 1-based): chr6:152,122,626, C>T on the plus strand (G>A on the coding strand, the complement: SYNE1 is on the minus strand). VCF-style: chr6-152122626-C-T. GRCh37 (hg19) VCF-style: chr6-152443761-C-T.
Other names: p.Arg8687Gln; c.*15G>A (NM_001347701.2); c.2738G>A, p.Arg913Gln (NM_001347702.2); c.26060G>A, p.Arg8687Gln (NM_033071.5); c.851-2640C>T (NM_001328100.2); short protein forms R8687Q, R8735Q, R913Q.
Identifiers: ClinVar variation 130434 (VCV000130434.22), dbSNP rs2295192, ClinGen allele CA155446.

ClinVar aggregate classification (germline): Benign. Review status: criteria provided, multiple submitters, no conflicts (2 of 4 stars). 9 submissions from 8 submitters: Benign (6). 3 of the submissions do not count toward it. Last evaluated 2026-02-02.

Conditions:
Autosomal recessive ataxia, Beauce type. Also called: Spinocerebellar ataxia, autosomal recessive 8; ATAXIA, RECESSIVE, OF BEAUCE; SYNE1-Related Autosomal Recessive Cerebellar Ataxia; SYNE1 Deficiency. Identifiers: Orphanet 88644, MedGen C1853116, MONDO:0012549, OMIM 610743.
Emery-Dreifuss muscular dystrophy 4, autosomal dominant (EDMD4). Also called: EMERY-DREIFUSS MUSCULAR DYSTROPHY 4 WITH VARIABLE FEATURES. Identifiers: Orphanet 261, MedGen C2751807, MONDO:0013071, OMIM 612998.

Allele frequency attached by ClinVar (database versions not stated): TOPMed 0.04194; 1000 Genomes Project 0.06490; 1000 Genomes Project 30x 0.06215; ESP Exome Variant Server 0.03591.
gnomAD v4.1: 58,202 of 1,614,050 alleles (3.6%); highest among the groups gnomAD compares: Admixed American, 6.8%; 1,349 homozygotes.

Submissions (9):

Labcorp Genetics (formerly Invitae), Labcorp
Classification: Benign for Emery-Dreifuss muscular dystrophy 4, autosomal dominant; Autosomal recessive ataxia, Beauce type. Last evaluated: 2026-02-02. Review status: criteria provided, single submitter. Criteria: Invitae Variant Classification Sherloc (09022015). Collection method: clinical testing. Allele origin: germline.

Illumina Laboratory Services, Illumina
Classification: Benign for Autosomal recessive ataxia, Beauce type. Last evaluated: 2018-01-13. Review status: criteria provided, single submitter. Criteria: ICSL Variant Classification Criteria 13 December 2019. Collection method: clinical testing. Allele origin: germline.
Comment: This variant was observed in the ICSL laboratory as part of a predisposition screen in an ostensibly healthy population. It had not been previously curated by ICSL or reported in the Human Gene Mutation Database (HGMD: prior to June 1st, 2018), and was therefore a candidate for classification through an automated scoring system. Utilizing variant allele frequency, disease prevalence and penetrance estimates, and inheritance mode, an automated score was calculated to assess if this variant is too frequent to cause the disease. Based on the score and internal cut-off values, a variant classified as benign is not then subjected to further curation. The score for this variant resulted in a classification of benign for this disease.

Illumina Laboratory Services, Illumina
Classification: Benign for Emery-Dreifuss muscular dystrophy 4, autosomal dominant. Last evaluated: 2018-01-13. Review status: criteria provided, single submitter. Criteria: ICSL Variant Classification Criteria 13 December 2019. Collection method: clinical testing. Allele origin: germline.
Comment: the same text as in the submission from Illumina Laboratory Services, Illumina above.

Mayo Clinic Laboratories, Mayo Clinic
Classification: Benign. Last evaluated: 2017-08-25. Review status: criteria provided, single submitter. Criteria: ACMG Guidelines, 2015. Collection method: clinical testing. Allele origin: germline. Observed: 73 variant alleles.

GeneDx
Classification: Benign. Last evaluated: 2016-02-26. Review status: criteria provided, single submitter. Criteria: GeneDx Variant Classification (06012015). Collection method: clinical testing. Allele origin: germline. Affected: yes.
Comment: This variant is considered likely benign or benign based on one or more of the following criteria: it is a conservative change, it occurs at a poorly conserved position in the protein, it is predicted to be benign by multiple in silico algorithms, and/or has population frequency not consistent with disease.

PreventionGenetics, part of Exact Sciences
Classification: Benign. Review status: criteria provided, single submitter. Criteria: ACMG Guidelines, 2015. Collection method: clinical testing. Allele origin: germline.

Clinical Genetics DNA and cytogenetics Diagnostics Lab, Erasmus MC, Erasmus Medical Center
Classification: Benign. Review status: no assertion criteria provided. Collection method: clinical testing. Allele origin: germline. Affected: yes. Study: VKGL Data-share Consensus. Not counted in ClinVar's aggregate classification.

Clinical Genetics, Academic Medical Center
Classification: Benign. Review status: no assertion criteria provided. Collection method: clinical testing. Allele origin: germline. Affected: yes. Study: VKGL Data-share Consensus. Not counted in ClinVar's aggregate classification.

Genetic Services Laboratory, University of Chicago
Classification: Likely benign for AllHighlyPenetrant. Review status: no assertion criteria provided. Collection method: clinical testing. Allele origin: germline. Inheritance: Autosomal dominant inheritance. Not counted in ClinVar's aggregate classification.
Comment: Likely benign based on allele frequency in 1000 Genomes Project or ESP global frequency and its presence in a patient with a rare or unrelated disease phenotype. NOT Sanger confirmed.